The following is an entry in ClinVar:

ClinVar aggregate classification (germline): Uncertain significance (1 of 4 stars; one submission).

Conditions:
Hereditary cancer-predisposing syndrome. Also called: Neoplastic Syndromes, Hereditary; Tumor predisposition; Hereditary Cancer Syndrome; Hereditary neoplastic syndrome. Identifiers: Orphanet 140162, MedGen C0027672, MeSH D009386, MONDO:0015356.

Submission:

Color Diagnostics, LLC DBA Color Health
Classification: Uncertain significance for Hereditary cancer-predisposing syndrome. Last evaluated: 2025-02-02. Review status: criteria provided, single submitter. Criteria: ACMG Guidelines, 2015. Collection method: clinical testing. Allele origin: germline.
Comment: This missense variant replaces alanine with glycine at codon 309 of the SMAD4 protein. Computational prediction suggests that this variant may not impact protein structure and function (internally defined REVEL score threshold <= 0.5, PMID: 27666373). To our knowledge, functional studies have not been reported for this variant. This variant has not been reported in individuals affected with SMAD4-related disorders in the literature. This variant has not been identified in the general population by the Genome Aggregation Database (gnomAD). The available evidence is insufficient to determine the role of this variant in disease conclusively. Therefore, this variant is classified as a Variant of Uncertain Significance.

NM_005359.6(SMAD4):c.926C>G (p.Ala309Gly)

Gene: SMAD4 (SMAD family member 4; plus strand). Cytogenetic location: 18q21.2.
Variant type: single nucleotide variant.
Coding change: c.926C>G on transcript NM_005359.6 (MANE Select); coding-DNA position 926, C replaced by G.
Protein change: p.Ala309Gly; replaces alanine 309 with glycine.
Molecular consequence: missense variant. On other transcripts: non-coding transcript variant (2).
Genome position (GRCh38, 1-based): chr18:51,059,887, C>G. VCF-style: chr18-51059887-C-G. GRCh37 (hg19) VCF-style: chr18-48586257-C-G.
Other names: c.926C>G, p.Ala309Gly (NM_001407041.1, NM_001407042.1, NM_001407043.1); short protein forms A309G.
Identifiers: ClinVar variation 3894212 (VCV003894212.1).
Genomic context (GRCh38, chr18:51,059,887, plus strand): 5'-TAGTAAATAAAAATGGAATTTTTGTTGTCTTTTCTTTAGGGCCTGTTCACAATGAGCTTG[C>G]ATTCCAGCCTCCCATTTCCAATCATCCTGGTAAGTGTATTTCAAAATTGATTTCCTGTAT-3'
Protein context (NP_005350.1, residues 299-319): GHYWPVHNEL[Ala309Gly]FQPPISNHPA